The following is an entry in ClinVar:

NM_001376.5(DYNC1H1):c.11563C>T (p.Arg3855Cys)

Gene: DYNC1H1 (dynein cytoplasmic 1 heavy chain 1; plus strand). Cytogenetic location: 14q32.31.
Variant type: single nucleotide variant.
Coding change: c.11563C>T on transcript NM_001376.5 (MANE Select); coding-DNA position 11563, C replaced by T.
Protein change: p.Arg3855Cys; replaces arginine 3855 with cysteine.
Molecular consequence: missense variant.
Genome position (GRCh38, 1-based): chr14:102,039,514, C>T. VCF-style: chr14-102039514-C-T. GRCh37 (hg19) VCF-style: chr14-102505851-C-T.
Other names: short protein forms R3855C.
Identifiers: ClinVar variation 2441057 (VCV002441057.7), dbSNP rs2503846430, ClinGen allele CA391034742.

ClinVar aggregate classification (germline): Uncertain significance. Review status: criteria provided, multiple submitters, no conflicts (2 of 4 stars). 3 submissions from 3 submitters: Uncertain significance (3). Last evaluated 2025-09-05.

Conditions:
Charcot-Marie-Tooth disease axonal type 2O. Also called: Charcot-Marie-Tooth Neuropathy Type 2O; CHARCOT-MARIE-TOOTH NEUROPATHY, AXONAL, TYPE 2O; CHARCOT-MARIE-TOOTH DISEASE, AXONAL, AUTOSOMAL DOMINANT, TYPE 2O; Charcot-Marie-Tooth disease, axonal, type 20. Identifiers: Orphanet 284232, MedGen C3280220, MONDO:0013644, OMIM 614228.
Inborn genetic diseases. Identifiers: MedGen C0950123, MeSH D030342.

Allele frequency attached by ClinVar (database versions not stated): gnomAD exomes 0.00001.
gnomAD v4.1: 3 of 1,614,246 alleles (0.00019%); highest among the groups gnomAD compares: Non-Finnish European, 0.00025%; no homozygotes.

Submissions (3):

Ambry Genetics
Classification: Uncertain significance for Inborn genetic diseases. Last evaluated: 2025-09-05. Review status: criteria provided, single submitter. Criteria: Ambry Variant Classification Scheme 2023. Collection method: clinical testing. Allele origin: germline.

Revvity Omics, Revvity
Classification: Uncertain significance. Last evaluated: 2024-07-10. Review status: criteria provided, single submitter. Criteria: ACMG Guidelines, 2015. Collection method: clinical testing. Allele origin: germline.

Labcorp Genetics (formerly Invitae), Labcorp
Classification: Uncertain significance for Charcot-Marie-Tooth disease axonal type 2O. Last evaluated: 2024-01-11. Review status: criteria provided, single submitter. Criteria: Invitae Variant Classification Sherloc (09022015). Collection method: clinical testing. Allele origin: germline.
Comment: This sequence change replaces arginine, which is basic and polar, with cysteine, which is neutral and slightly polar, at codon 3855 of the DYNC1H1 protein (p.Arg3855Cys). This variant is not present in population databases (gnomAD no frequency). This variant has not been reported in the literature in individuals affected with DYNC1H1-related conditions. ClinVar contains an entry for this variant (Variation ID: 2441057). Advanced modeling of protein sequence and biophysical properties (such as structural, functional, and spatial information, amino acid conservation, physicochemical variation, residue mobility, and thermodynamic stability) performed at Invitae indicates that this missense variant is expected to disrupt DYNC1H1 protein function with a positive predictive value of 95%. In summary, the available evidence is currently insufficient to determine the role of this variant in disease. Therefore, it has been classified as a Variant of Uncertain Significance.